The following is an entry in ClinVar:

ClinVar aggregate classification (germline): Likely benign. Review status: criteria provided, multiple submitters, no conflicts (2 of 4 stars). 2 submissions from 2 submitters: Likely benign (2). Last evaluated 2026-09-01.

Conditions:
Idiopathic generalized epilepsy. Also called: Generalised epilepsy; EIG. Identifiers: MedGen C0270850, MONDO:0005579, OMIM 600669.

Allele frequency attached by ClinVar (database versions not stated): ExAC 0.00001; gnomAD 0.00001; gnomAD exomes 0.00002 and 0.00004; TOPMed 0.00002.
gnomAD v4.1: 11 of 1,610,632 alleles (0.00068%); highest among the groups gnomAD compares: Admixed American, 0.017%; no homozygotes.

Submissions (2):

CeGaT Center for Human Genetics Tuebingen
Classification: Likely benign. Last evaluated: 2026-09-01. Review status: criteria provided, single submitter. Criteria: CeGaT Center For Human Genetics Tuebingen Variant Classification Criteria Version 2. Collection method: clinical testing. Allele origin: germline. Affected: yes. Observed: 1 variant allele.
Comment: RBFOX1: BP4, BP7

Labcorp Genetics (formerly Invitae), Labcorp
Classification: Likely benign for Idiopathic generalized epilepsy. Last evaluated: 2025-09-10. Review status: criteria provided, single submitter. Criteria: Invitae Variant Classification Sherloc (09022015). Collection method: clinical testing. Allele origin: germline.

NM_018723.4(RBFOX1):c.576A>T (p.Thr192=)

Gene: RBFOX1 (RNA binding fox-1 homolog 1; plus strand). Cytogenetic location: 16p13.3.
Variant type: single nucleotide variant.
Coding change: c.576A>T on transcript NM_018723.4 (MANE Select); coding-DNA position 576, A replaced by T.
Protein change: p.Thr192=; no amino-acid change (threonine 192 retained).
Molecular consequence: synonymous variant.
Genome position (GRCh38, 1-based): chr16:7,597,385, A>T. VCF-style: chr16-7597385-A-T. GRCh37 (hg19) VCF-style: chr16-7647387-A-T.
Other names: c.576A>T, p.Thr192= (NM_001142333.2, NM_001142334.2, NM_001364800.2); c.705A>T, p.Thr235= (NM_001308117.1); c.636A>T, p.Thr212= (NM_145891.3, NM_145892.3, NM_145893.3).
Identifiers: ClinVar variation 767088 (VCV000767088.9), dbSNP rs769265490, ClinGen allele CA7891557.